The following is an entry in ClinVar:

NC_000002.11:g.(?_169783666)_(169783872_?)del

Gene: ABCB11 (ATP binding cassette subfamily B member 11; minus strand). Cytogenetic location: 2q31.1.
Variant type: Deletion.
Identifiers: ClinVar variation 1068206 (VCV001068206.1).

ClinVar aggregate classification (germline): Likely pathogenic (1 of 4 stars; one submission).

Submission:

Labcorp Genetics (formerly Invitae), Labcorp
Classification: Likely pathogenic. Last evaluated: 2020-06-24. Review status: criteria provided, single submitter. Criteria: Invitae Variant Classification Sherloc (09022015). Collection method: clinical testing. Allele origin: germline.
Comment: This variant is an in-frame deletion of the genomic region encompassing exon(s) 26 of the ABCB11 gene. It preserves the integrity of the reading frame. This variant has not been reported in the literature in individuals with ABCB11-related conditions. This variant disrupts the p.Arg1153 amino acid residue in ABCB11. Other variant(s) that disrupt this residue have been determined to be pathogenic (PMID: 18395098, 20232290, 26678486, 27050426, 12370274). This suggests that this residue is clinically significant, and that variants that disrupt this residue are likely to be disease-causing. In summary, the currently available evidence indicates that the variant is pathogenic, but additional data are needed to prove that conclusively. Therefore, this variant has been classified as Likely Pathogenic.

Literature cited by the submitters: PubMed 18395098; PubMed 20232290; PubMed 26678486; PubMed 27050426; PubMed 12370274.